The following is an entry in ClinVar:

ClinVar aggregate classification (germline): Uncertain significance (1 of 4 stars; one submission).

Conditions:
Psoriasis 2. Identifiers: MedGen C1864497, MONDO:0011269, OMIM 602723.
Pityriasis rubra pilaris (PRP). Also called: Pityriasis rubra pilaris--familial type. Identifiers: Orphanet 2897, MedGen C0032027, MONDO:0100017, OMIM 173200, MONDO:0008251.

Submission:

Labcorp Genetics (formerly Invitae), Labcorp
Classification: Uncertain significance for Pityriasis rubra pilaris; Psoriasis 2. Last evaluated: 2019-06-04. Review status: criteria provided, single submitter. Criteria: Invitae Variant Classification Sherloc (09022015). Collection method: clinical testing. Allele origin: germline.
Comment: This sequence change replaces histidine with glutamine at codon 59 of the CARD14 protein (p.His59Gln). The histidine residue is highly conserved and there is a small physicochemical difference between histidine and glutamine. This variant is not present in population databases (ExAC no frequency). This variant has not been reported in the literature in individuals with CARD14-related conditions. Algorithms developed to predict the effect of missense changes on protein structure and function are either unavailable or do not agree on the potential impact of this missense change (SIFT: "Deleterious"; PolyPhen-2: "Probably Damaging"; Align-GVGD: "Class C0"). In summary, the available evidence is currently insufficient to determine the role of this variant in disease. Therefore, it has been classified as a Variant of Uncertain Significance.

NM_001366385.1(CARD14):c.177C>G (p.His59Gln)

Gene: CARD14 (caspase recruitment domain family member 14; plus strand). Cytogenetic location: 17q25.3.
Variant type: single nucleotide variant.
Coding change: c.177C>G on transcript NM_001366385.1 (MANE Select); coding-DNA position 177, C replaced by G.
Protein change: p.His59Gln; replaces histidine 59 with glutamine.
Molecular consequence: missense variant. On other transcripts: non-coding transcript variant (1).
Genome position (GRCh38, 1-based): chr17:80,181,615, C>G. VCF-style: chr17-80181615-C-G. GRCh37 (hg19) VCF-style: chr17-78155414-C-G.
Other names: c.177C>G, p.His59Gln (NM_001257970.1, NM_024110.4); short protein forms H59Q.
Identifiers: ClinVar variation 948973 (VCV000948973.10), dbSNP rs2040178477, ClinGen allele CA401331858.